The following is an entry in ClinVar:

NM_032520.5(GNPTG):c.750dup (p.Glu251fs)

Gene: GNPTG (N-acetylglucosamine-1-phosphate transferase subunit gamma; plus strand). Cytogenetic location: 16p13.3.
Variant type: Duplication.
Coding change: c.750dup on transcript NM_032520.5 (MANE Select); coding-DNA position 750, one base duplicated (A; older notation c.750dupA).
Protein change: p.Glu251fs; shifts the reading frame from glutamic acid 251.
Molecular consequence: frameshift variant.
Genome position (GRCh38, 1-based): chr16:1,362,833, A duplicated; the last of 3 consecutive A bases (chr16:1,362,831-1,362,833); duplicating any one gives the same sequence. VCF-style (leftmost placement, unchanged base first): chr16-1362830-T-TA. GRCh37 (hg19) VCF-style: chr16-1412831-T-TA.
Other names: c.750dupA (NM_032520.4); c.750dup (NM_032520.4); short protein forms E251fs.
Identifiers: ClinVar variation 553120 (VCV000553120.6), dbSNP rs758242017, ClinGen allele CA7807936.

ClinVar aggregate classification (germline): Conflicting classifications of pathogenicity. Review status: criteria provided, conflicting classifications (1 of 4 stars). 3 submissions from 3 submitters: Likely pathogenic (1); Uncertain significance (1). 1 of the submissions does not count toward it. Last evaluated 2025-02-23.

Conditions:
GNPTG-mucolipidosis. Also called: ML III GAMMA; ML IIIC; Mucolipidosis type III gamma; MUCOLIPIDOSIS III, COMPLEMENTATION GROUP C; MUCOLIPIDOSIS III, IRANIAN VARIANT FORM; MUCOLIPIDOSIS III, VARIANT FORM. Identifiers: Orphanet 423470, Orphanet 577, MedGen C1854896, MONDO:0009652, OMIM 252605.

Submissions (3):

Natera, Inc.
Classification: Likely pathogenic for Mucolipidosis III gamma. Last evaluated: 2025-02-23. Review status: criteria provided, single submitter. Criteria: Natera Variant Classification Schema (03/2026). Collection method: clinical testing. Allele origin: germline.
Comment: The c.750dup variant in GNPTG is a frameshift variant predicted to shift the reading frame beginning at codon 251 and leads to a stop codon 48 codons downstream. This variant is expected to result in nonsense mediated decay, truncation, or a dysfunctional protein product. This variant is rare in the general population with a frequency below the threshold expected for the associated phenotype(s). Given the available evidence, this variant is classified as Likely Pathogenic.

Labcorp Genetics (formerly Invitae), Labcorp
Classification: Uncertain significance. Last evaluated: 2022-09-13. Review status: criteria provided, single submitter. Criteria: Invitae Variant Classification Sherloc (09022015). Collection method: clinical testing. Allele origin: germline.
Comment: This sequence change creates a premature translational stop signal (p.Glu251Argfs*48) in the GNPTG gene. While this is not anticipated to result in nonsense mediated decay, it is expected to disrupt the last 55 amino acid(s) of the GNPTG protein. This variant is present in population databases (rs758242017, gnomAD 0.007%). This variant has not been reported in the literature in individuals affected with GNPTG-related conditions. ClinVar contains an entry for this variant (Variation ID: 553120). Experimental studies and prediction algorithms are not available or were not evaluated, and the functional significance of this variant is currently unknown. In summary, the available evidence is currently insufficient to determine the role of this variant in disease. Therefore, it has been classified as a Variant of Uncertain Significance.

Counsyl
Classification: Uncertain significance for GNPTG-mucolipidosis. Last evaluated: 2017-07-28. Review status: no assertion criteria provided. Collection method: clinical testing. Allele origin: unknown. Not counted in ClinVar's aggregate classification.